The following is an entry in ClinVar:

NM_014391.3(ANKRD1):c.346-12_346-11insTATATATATATATATATATATATATATATATATATA

Gene: ANKRD1 (ankyrin repeat domain 1; minus strand). Cytogenetic location: 10q23.31.
Variant type: Microsatellite.
Coding change: c.346-12_346-11insTATATATATATATATATATATATATATATATATATA on transcript NM_014391.3 (MANE Select); 12 bases into the intron before coding-DNA position 346 through 11 bases into the intron before coding-DNA position 346, TATATATATATATATATATATATATATATATATATA inserted.
Molecular consequence: intron variant.
Genome position: GRCh38, VCF-style position (the base before the change): chr10:90,918,983. GRCh37 (hg19), VCF-style position (the base before the change): chr10:92,678,740.
Identifiers: ClinVar variation 2420928 (VCV002420928.6), dbSNP rs766545285, ClinGen allele CA2580615571.
Genomic context (GRCh38, chr10:90,918,983, plus strand): 5'-TTATTCTCCAGAGCAGCCTTCAGAAACGTAGGCACATCCACAGGTTCCGTCTAAAGCCAA[A>AATATATATATATATATATATATATATATATATATAT]ATAAATAAATATATATATATATATATATATATAGCATGAGAGTTACCGTGAGCTTGCCAG-3'

ClinVar aggregate classification (germline): Uncertain significance (1 of 4 stars; one submission).

Conditions:
ANKRD1-related dilated cardiomyopathy. Identifiers: MedGen CN119551.

Submission:

Labcorp Genetics (formerly Invitae), Labcorp
Classification: Uncertain significance for ANKRD1-related dilated cardiomyopathy. Last evaluated: 2022-11-10. Review status: criteria provided, single submitter. Criteria: Invitae Variant Classification Sherloc (09022015). Collection method: clinical testing. Allele origin: germline.
Comment: This variant is not present in population databases (gnomAD no frequency). This variant has not been reported in the literature in individuals affected with ANKRD1-related conditions. Algorithms developed to predict the effect of sequence changes on RNA splicing suggest that this variant may create or strengthen a splice site. In summary, the available evidence is currently insufficient to determine the role of this variant in disease. Therefore, it has been classified as a Variant of Uncertain Significance. This sequence change falls in intron 3 of the ANKRD1 gene. It does not directly change the encoded amino acid sequence of the ANKRD1 protein.